The following is an entry in ClinVar:

ClinVar aggregate classification (germline): Likely pathogenic. Review status: criteria provided, multiple submitters, no conflicts (2 of 4 stars). 3 submissions from 3 submitters: Likely pathogenic (2). 1 of the submissions does not count toward it. Last evaluated 2024-11-09.

Conditions:
Cardiovascular phenotype. Identifiers: MedGen CN230736.
Dilated cardiomyopathy 1G (CMD1G). Identifiers: Orphanet 154, MedGen C1858763, MONDO:0011400, OMIM 604145.

Submissions (3):

Ambry Genetics
Classification: Likely pathogenic for Cardiovascular phenotype. Last evaluated: 2024-11-09. Review status: criteria provided, single submitter. Criteria: Ambry Variant Classification Scheme 2023. Collection method: clinical testing. Allele origin: germline.
Comment: The c.61501delA variant, located in coding exon 159 of the TTN gene, results from a deletion of one nucleotide at nucleotide position 61501, causing a translational frameshift with a predicted alternate stop codon (p.I20501Sfs*46). This exon is located in the A-band region of the N2-B isoform of the titin protein and is constitutively expressed in TTN transcripts (percent spliced in or PSI 100%). This alteration is expected to result in loss of function by premature protein truncation or nonsense-mediated mRNA decay. While truncating variants in TTN are present in 1-3% of the general population, truncating variants in the A-band are the most common cause of dilated cardiomyopathy (DCM) (Herman DS et al. N. Engl. J. Med., 2012 Feb;366:619-28; Roberts AM et al. Sci Transl Med, 2015 Jan;7:270ra6). TTN truncating variants encoded in constitutive exons (PSI >90%) have been found to be significantly associated with DCM regardless of their position in titin (Schafer S et al. Nat. Genet., 2017 01;49:46-53). This variant is considered to be rare based on population cohorts in the Genome Aggregation Database (gnomAD). Based on the majority of available evidence to date, this variant is likely to be pathogenic.

GeneDx
Classification: Likely pathogenic. Last evaluated: 2017-01-31. Review status: criteria provided, single submitter. Criteria: GeneDx Variant Classification (06012015). Collection method: clinical testing. Allele origin: germline. Affected: yes.
Comment: The c.83773delA likely pathogenic variant in the TTN gene has not been reported previously as a pathogenic variant or as a benign variant, to our knowledge. This variant causes a shift in reading frame starting at codon isoleucine 27925, changing it to a serine, and creating a premature stop codon at position 46 of the new reading frame, denoted p.Ile27925SerfsX46. This likely pathogenic variant is expected to result in either an abnormal, truncated protein product or loss of protein from this allele through nonsense-mediated mRNA decay. Other truncating TTN variants have been reported in approximately 3% of control alleles (Herman et al., 2012). However, c.83773delA is located in the A-band region of titin, where the majority of truncating pathogenic variants associated with DCM have been reported (Herman et al., 2012). Furthermore, this variant is not observed in large population cohorts (Lek et al., 2016; Exome Variant Server).

Cardiogenetics and Myogenetics Molecular and Cellular Functional Unit, Aphp Sorbonne University-Hopital Pitie Salpetriere
Classification: Likely pathogenic for Dilated cardiomyopathy 1G. Last evaluated: 2024-01-06. Review status: no assertion criteria provided. Collection method: clinical testing. Allele origin: germline. Affected: yes. Not counted in ClinVar's aggregate classification.

NM_001267550.2(TTN):c.88696del (p.Ile29566fs)

Genes: TTN-AS1 (TTN antisense RNA 1; plus strand), TTN (titin; minus strand). Cytogenetic location: 2q31.2.
Variant type: Deletion.
Coding change: c.88696del on transcript NM_001267550.2 (MANE Select); coding-DNA position 88696, one base deleted (A; older notation c.88696delA).
Protein change: p.Ile29566fs; shifts the reading frame from isoleucine 29566.
Molecular consequence: frameshift variant.
Genome position (GRCh38, 1-based): chr2:178,554,651, T deleted on the plus strand (A on the coding strand, the reverse complement: TTN is on the minus strand); the first of 5 consecutive T bases (chr2:178,554,651-178,554,655); deleting any one gives the same sequence. VCF-style (leftmost placement, unchanged base first): chr2-178554650-AT-A. GRCh37 (hg19) VCF-style: chr2-179419377-AT-A.
Other names: c.83773del, p.Ile27925fs (NM_001256850.1); c.61501del, p.Ile20501fs (NM_003319.4); c.80992del, p.Ile26998fs (NM_133378.4); c.61876del, p.Ile20626fs (NM_133432.3); c.62077del, p.Ile20693fs (NM_133437.4); c.83773delA (NM_001256850.1); c.61501delA (NM_003319.4); short protein forms I27925fs, I20501fs, I26998fs, I29566fs, I20626fs, I20693fs.
Identifiers: ClinVar variation 423248 (VCV000423248.4), dbSNP rs1064796323, ClinGen allele CA16617339.
Genomic context (GRCh38, chr2:178,554,650, plus strand): 5'-TCAGACACCATAGACCACACAACGCGGCTTGTCTCACGCTTTTCCACAATGTAGTGAGTG[AT>A]TTTTGCACCACCATCATCAGCTGGAGGCCGCCAGAGAAGGGTGATCTTCTCAGCAGTTAC-3'